The following is an entry in ClinVar:

NM_001253697.2(ERBIN):c.1504G>T (p.Val502Leu)

Gene: ERBIN (erbb2 interacting protein; plus strand). Cytogenetic location: 5q12.3.
Variant type: single nucleotide variant.
Coding change: c.1504G>T on transcript NM_001253697.2 (MANE Select); coding-DNA position 1504, G replaced by T.
Protein change: p.Val502Leu; replaces valine 502 with leucine.
Molecular consequence: missense variant.
Genome position (GRCh38, 1-based): chr5:66,044,212, G>T. VCF-style: chr5-66044212-G-T. GRCh37 (hg19) VCF-style: chr5-65340040-G-T.
Other names: c.1504G>T, p.Val502Leu (NM_001006600.3, NM_001253698.2, NM_001253699.2 and 2 more transcripts); c.1504G>T (NM_001006600.2); short protein forms V502L.
Identifiers: ClinVar variation 2958309 (VCV002958309.4), dbSNP rs150908392, ClinGen allele CA3286269.

ClinVar aggregate classification (germline): Uncertain significance. Review status: criteria provided, multiple submitters, no conflicts (2 of 4 stars). 2 submissions from 2 submitters: Uncertain significance (2). Last evaluated 2026-02-10.

Conditions:
ERBIN-related disorder. Also called: ERBIN-related condition.

Allele frequency attached by ClinVar (database versions not stated): TOPMed 0.00001; ExAC 0.00002; gnomAD 0.00002; gnomAD exomes 0.00002; ESP Exome Variant Server 0.00008.
gnomAD v4.1: 13 of 1,611,960 alleles (0.00081%); highest among the groups gnomAD compares: Admixed American, 0.01%; no homozygotes.

Submissions (2):

PreventionGenetics, part of Exact Sciences
Classification: Uncertain significance for ERBIN-related condition. Last evaluated: 2026-02-10. Review status: criteria provided, single submitter. Criteria: ACMG Guidelines, 2015. Collection method: clinical testing. Allele origin: germline.
Comment: The ERBIN c.1504G>T variant is predicted to result in the amino acid substitution p.Val502Leu. To our knowledge, this variant has not been reported in the literature. This variant is reported in 0.011% of alleles in individuals of Latino descent in gnomAD. At this time, the clinical significance of this variant is uncertain due to the absence of conclusive functional and genetic evidence.

Labcorp Genetics (formerly Invitae), Labcorp
Classification: Uncertain significance. Last evaluated: 2023-06-01. Review status: criteria provided, single submitter. Criteria: Invitae Variant Classification Sherloc (09022015). Collection method: clinical testing. Allele origin: germline.
Comment: This sequence change replaces valine, which is neutral and non-polar, with leucine, which is neutral and non-polar, at codon 502 of the ERBIN protein (p.Val502Leu). This variant is present in population databases (rs150908392, gnomAD 0.01%). This variant has not been reported in the literature in individuals affected with ERBIN-related conditions. An algorithm developed to predict the effect of missense changes on protein structure and function (PolyPhen-2) suggests that this variant is likely to be disruptive. In summary, the available evidence is currently insufficient to determine the role of this variant in disease. Therefore, it has been classified as a Variant of Uncertain Significance.